The following is an entry in ClinVar:

ClinVar aggregate classification (germline): Uncertain significance (1 of 4 stars; one submission).

Submission:

CeGaT Center for Human Genetics Tuebingen
Classification: Uncertain significance. Last evaluated: 2022-04-01. Review status: criteria provided, single submitter. Criteria: CeGaT Center For Human Genetics Tuebingen Variant Classification Criteria Version 2. Collection method: clinical testing. Allele origin: germline. Affected: yes. Observed: 1 variant allele.
Comment: TTN: PM2, BP4

NM_001267550.2(TTN):c.91924G>C (p.Asp30642His)

Genes: TTN (titin; minus strand), TTN-AS1 (TTN antisense RNA 1; plus strand). Cytogenetic location: 2q31.2.
Variant type: single nucleotide variant.
Coding change: c.91924G>C on transcript NM_001267550.2 (MANE Select); coding-DNA position 91924, G replaced by C.
Protein change: p.Asp30642His; replaces aspartic acid 30642 with histidine.
Molecular consequence: missense variant.
Genome position (GRCh38, 1-based): chr2:178,549,798, C>G on the plus strand (G>C on the coding strand, the complement: TTN is on the minus strand). VCF-style: chr2-178549798-C-G. GRCh37 (hg19) VCF-style: chr2-179414525-C-G.
Other names: c.87001G>C, p.Asp29001His (NM_001256850.1); c.64729G>C, p.Asp21577His (NM_003319.4); c.84220G>C, p.Asp28074His (NM_133378.4); c.65104G>C, p.Asp21702His (NM_133432.3); c.65305G>C, p.Asp21769His (NM_133437.4); short protein forms D21577H, D21702H, D21769H, D28074H, D29001H, D30642H.
Identifiers: ClinVar variation 2651591 (VCV002651591.24), dbSNP rs2469175916, ClinGen allele CA349495779.